The following is an entry in ClinVar:

ClinVar aggregate classification (germline): Pathogenic. Review status: criteria provided, single submitter (1 of 4 stars). 2 submissions from 2 submitters: Pathogenic (1). 1 of the submissions does not count toward it. Last evaluated 2024-07-17.

Conditions:
Frontotemporal dementia and/or amyotrophic lateral sclerosis 4. Also called: FTDALS4. Identifiers: Orphanet 275872, MedGen C4225325, MONDO:0014641, OMIM 616439.

Allele frequency attached by ClinVar (database versions not stated): gnomAD exomes below 0.00001; ExAC 0.00001.
gnomAD v4.1: 3 of 1,564,864 alleles (0.00019%); highest among the groups gnomAD compares: Non-Finnish European, 0.00017%; no homozygotes.

Submissions (2):

Labcorp Genetics (formerly Invitae), Labcorp
Classification: Pathogenic for Frontotemporal dementia and/or amyotrophic lateral sclerosis 4. Last evaluated: 2024-07-17. Review status: criteria provided, single submitter. Criteria: Invitae Variant Classification Sherloc (09022015). Collection method: clinical testing. Allele origin: germline.
Comment: This sequence change affects a donor splice site in intron 11 of the TBK1 gene. It is expected to disrupt RNA splicing. Variants that disrupt the donor or acceptor splice site typically lead to a loss of protein function (PMID: 16199547), and loss-of-function variants in TBK1 are known to be pathogenic (PMID: 25803835, 26476236, 26581300). This variant is present in population databases (rs767898276, gnomAD 0.001%). Disruption of this splice site has been observed in individuals with TBK1-related conditions (PMID: 25803835). ClinVar contains an entry for this variant (Variation ID: 203439). Studies have shown that disruption of this splice site alters TBK1 gene expression (PMID: 25803835). Algorithms developed to predict the effect of sequence changes on RNA splicing suggest that this variant may disrupt the consensus splice site. For these reasons, this variant has been classified as Pathogenic.

OMIM
Classification: Pathogenic for FRONTOTEMPORAL DEMENTIA AND/OR AMYOTROPHIC LATERAL SCLEROSIS 4. Last evaluated: 2015-05-01. Review status: no assertion criteria provided. Collection method: literature only. Allele origin: germline. Not counted in ClinVar's aggregate classification.

Literature cited by the submitters: PubMed 16199547 (cited by Labcorp Genetics (formerly Invitae), Labcorp); PubMed 25803835 (cited by Labcorp Genetics (formerly Invitae), Labcorp and OMIM); PubMed 26476236 (cited by Labcorp Genetics (formerly Invitae), Labcorp); PubMed 26581300 (cited by Labcorp Genetics (formerly Invitae), Labcorp).

NM_013254.4(TBK1):c.1340+1G>A

Gene: TBK1 (TANK binding kinase 1; plus strand). Cytogenetic location: 12q14.2.
Variant type: single nucleotide variant.
Coding change: c.1340+1G>A on transcript NM_013254.4 (MANE Select); the canonical splice donor site of the intron after coding-DNA position 1340, G replaced by A.
Molecular consequence: splice donor variant.
Genome position (GRCh38, 1-based): chr12:64,486,018, G>A. VCF-style: chr12-64486018-G-A. GRCh37 (hg19) VCF-style: chr12-64879798-G-A.
Other names: IVS, G-A, +1.
Identifiers: ClinVar variation 203439 (VCV000203439.3), dbSNP rs767898276, ClinGen allele CA6669037.
Genomic context (GRCh38, chr12:64,486,018, plus strand): 5'-AATTGCCAGTACCTTACTGCTTTATCAGGAATTAATGCGAAAGGGGATACGATGGCTGAT[G>A]TAAGTAATAGATTGAAATTTTGAAATTGATTTTCATGTAGACCTTGCCCCATCATTGATA-3'